The following is an entry in ClinVar:

ClinVar aggregate classification (germline): Conflicting classifications of pathogenicity. Review status: criteria provided, conflicting classifications (1 of 4 stars). 2 submissions from 2 submitters: Likely pathogenic (1); Uncertain significance (1). Last evaluated 2026-04-20.

Conditions:
Early-infantile DEE. Also called: Early infantile epileptic encephalopathy; Ohtahara syndrome; Early infantile epileptic encephalopathy with suppression bursts. Identifiers: Orphanet 1934, MedGen C0393706, MONDO:0800491.

Submissions (2):

GeneDx
Classification: Likely pathogenic. Last evaluated: 2026-04-20. Review status: criteria provided, single submitter. Criteria: GeneDx Variant Classification Process June 2021. Collection method: clinical testing. Allele origin: germline.
Comment: This substitution is predicted to be within the extracellular loop between the S5 and S6 transmembrane segments of the second homologous domain; Not observed at significant frequency in large population cohorts (gnomAD); In silico analysis supports that this missense variant has a deleterious effect on protein structure/function; Has not been previously published as pathogenic or benign to our knowledge

Labcorp Genetics (formerly Invitae), Labcorp
Classification: Uncertain significance for Early-infantile DEE. Last evaluated: 2025-04-27. Review status: criteria provided, single submitter. Criteria: Invitae Variant Classification Sherloc (09022015). Collection method: clinical testing. Allele origin: germline.
Comment: This sequence change replaces proline, which is neutral and non-polar, with leucine, which is neutral and non-polar, at codon 930 of the SCN1A protein (p.Pro930Leu). This variant is not present in population databases (gnomAD no frequency). This variant has not been reported in the literature in individuals affected with SCN1A-related conditions. Invitae Evidence Modeling of protein sequence and biophysical properties (such as structural, functional, and spatial information, amino acid conservation, physicochemical variation, residue mobility, and thermodynamic stability) indicates that this missense variant is expected to disrupt SCN1A protein function with a positive predictive value of 95%. In summary, the available evidence is currently insufficient to determine the role of this variant in disease. Therefore, it has been classified as a Variant of Uncertain Significance.

NM_001165963.4(SCN1A):c.2789C>T (p.Pro930Leu)

Gene: SCN1A (sodium voltage-gated channel alpha subunit 1; minus strand). Cytogenetic location: 2q24.3.
Variant type: single nucleotide variant.
Coding change: c.2789C>T on transcript NM_001165963.4 (MANE Select); coding-DNA position 2789, C replaced by T.
Protein change: p.Pro930Leu; replaces proline 930 with leucine.
Molecular consequence: missense variant. On other transcripts: non-coding transcript variant (1).
Genome position (GRCh38, 1-based): chr2:166,037,933, G>A on the plus strand (C>T on the coding strand, the complement: SCN1A is on the minus strand). VCF-style: chr2-166037933-G-A. GRCh37 (hg19) VCF-style: chr2-166894443-G-A.
Other names: c.2789C>T (NM_001165963.1); c.2705C>T, p.Pro902Leu (NM_001353958.2, NM_001165964.3, NM_001353957.2); c.2702C>T, p.Pro901Leu (NM_001353960.2); c.347C>T, p.Pro116Leu (NM_001353961.2); c.2756C>T, p.Pro919Leu (NM_006920.6, NM_001353949.2, NM_001353950.2 and 2 more transcripts); c.2789C>T, p.Pro930Leu (NM_001202435.3, NM_001353948.2); c.2753C>T, p.Pro918Leu (NM_001353954.2, NM_001353955.2); short protein forms P116L, P901L, P902L, P918L, P919L, P930L.
Identifiers: ClinVar variation 4800275 (VCV004800275.2).